The following is an entry in ClinVar:

ClinVar aggregate classification (germline): Likely pathogenic (1 of 4 stars; one submission).

Conditions:
Focal segmental glomerulosclerosis (FSGS). Also called: Glomerulosclerosis, focal; Focal sclerosis with hyalinosis. Identifiers: MedGen C0017668, MONDO:0100313, HP:0000097. Disease mechanism: loss of function.

Submission:

Molecular Lab, University of Sulaimaniyah
Classification: Likely pathogenic for Focal segmental glomerulosclerosis. Last evaluated: 2026-03-12. Review status: criteria provided, single submitter. Criteria: ACMG Guidelines, 2015. Collection method: clinical testing. Allele origin: germline. Inheritance: Autosomal recessive inheritance. Affected: yes. Observed: 1 variant allele, 1 homozygote.
Comment: This variant was classified using the ACMG/AMP 2015 framework (PMID:25741868). PVS1 was applied because NPHP3 c.2161delA is a predicted loss-of-function frameshift variant expected to create a premature termination codon in a recessive ciliopathy-associated gene for which loss of function is an established disease mechanism. The submitted classification reflects this combination of variant type, gene-disease mechanism, and internal observation data. Overall, the weight of evidence supported a Likely pathogenic classification.

NM_153240.5(NPHP3):c.2161del (p.Lys720_Met721insTer)

Genes: NPHP3 (nephrocystin 3; minus strand), NPHP3-ACAD11 (NPHP3-ACAD11 readthrough (NMD candidate); minus strand). Cytogenetic location: 3q22.1.
Variant type: Deletion.
Coding change: c.2161del on transcript NM_153240.5 (MANE Select); coding-DNA position 2161, one base deleted (A; older notation c.2161delA).
Protein change: p.Lys720_Met721insTer.
Molecular consequence: nonsense. On other transcripts: non-coding transcript variant (1).
Genome position (GRCh38, 1-based): chr3:132,696,741, T deleted on the plus strand (A on the coding strand, the reverse complement: NPHP3 is on the minus strand); the first of 4 consecutive T bases (chr3:132,696,741-132,696,744); deleting any one gives the same sequence. VCF-style (leftmost placement, unchanged base first): chr3-132696740-AT-A. GRCh37 (hg19) VCF-style: chr3-132415584-AT-A.
Other names: c.2161delA (NM_153240.5).
Identifiers: ClinVar variation 4813866 (VCV004813866.1).
Genomic context (GRCh38, chr3:132,696,740, plus strand): 5'-TGCAGCAAACACAAAACATGCAGAAGATCATGTAAAATAATCACCACTCACCGCGCGATC[AT>A]TTTGCCGAAAAGGGTGACATAAAGGGCATTGCAGGTTGTAGCAGAACGACAGTGTCGTTC-3'